The following is an entry in ClinVar:

ClinVar aggregate classification (germline): Pathogenic/Likely pathogenic. Review status: criteria provided, multiple submitters, no conflicts (2 of 4 stars). 8 submissions from 8 submitters: Pathogenic (6); Likely pathogenic (1). 1 of the submissions does not count toward it. Last evaluated 2021-11-01.

Conditions:
Inborn genetic diseases. Identifiers: MedGen C0950123, MeSH D030342.
KBG syndrome (KBGS). Also called: ANKRD11-Related KBG Syndrome. Identifiers: Orphanet 2332, MedGen C0220687, MONDO:0007846, OMIM 148050.
Global developmental delay (DD). Also called: Cognitive delay. Identifiers: MedGen C0557874, HP:0001263. Disease mechanism: loss of function.
ANKRD11-related disorder. Also called: ANKRD11-related condition.

Submissions (8):

Medical Cytogenetics and Molecular Genetics Laboratory, IRCCS Istituto Auxologico Italiano
Classification: Pathogenic for KBG syndrome. Last evaluated: 2021-11-01. Review status: criteria provided, single submitter. Criteria: ACMG Guidelines, 2015. Collection method: research. Allele origin: de novo. Affected: yes. Observed: 2 variant alleles.

GeneDx
Classification: Pathogenic. Last evaluated: 2021-03-26. Review status: criteria provided, single submitter. Criteria: GeneDx Variant Classification Process June 2021. Collection method: clinical testing. Allele origin: germline. Affected: yes.
Comment: Frameshift variant predicted to result in protein truncation or nonsense mediated decay in a gene for which loss-of-function is a known mechanism of disease; Not observed in large population cohorts (gnomAD); This variant is associated with the following publications: (PMID: 27605097, 30577886, 27667800, 33955014)

Institute for Human Genetics, University Hospital Essen
Classification: Pathogenic for Global developmental delay. Last evaluated: 2021-01-22. Review status: criteria provided, single submitter. Criteria: ACMG Guidelines, 2015. Collection method: research. Allele origin: inherited, unknown. Affected: yes. Observed: 3 variant alleles.

Blueprint Genetics
Classification: Pathogenic for ANKRD11-related disorders. Last evaluated: 2020-12-10. Review status: criteria provided, single submitter. Criteria: ACMG Guidelines, 2015. Collection method: clinical testing. Allele origin: de novo. Affected: yes. Observed: 2 variant alleles.

Laboratory of Molecular Genetics (Pr. Bezieau's lab), CHU de Nantes
Classification: Likely pathogenic. Last evaluated: 2019-02-13. Review status: criteria provided, single submitter. Criteria: ACMG Guidelines, 2015. Collection method: clinical testing. Allele origin: germline. Affected: yes.

Labcorp Genetics (formerly Invitae), Labcorp
Classification: Pathogenic for KBG syndrome. Last evaluated: 2019-02-07. Review status: criteria provided, single submitter. Criteria: Invitae Variant Classification Sherloc (09022015). Collection method: clinical testing. Allele origin: germline.
Comment: This sequence change creates a premature translational stop signal (p.Glu461Glnfs*48) in the ANKRD11 gene. It is expected to result in an absent or disrupted protein product. For these reasons, this variant has been classified as Pathogenic. Loss-of-function variants in ANKRD11 are known to be pathogenic (PMID: 21782149, 25125236, 25413698, 25652421). This variant has been observed in several individuals affected with KBG syndrome (PMID: 27605097, 27667800). This variant is not present in population databases (ExAC no frequency).

Ambry Genetics
Classification: Pathogenic for Inborn genetic diseases. Last evaluated: 2018-12-13. Review status: criteria provided, single submitter. Criteria: Ambry exome assertion method (8-5-2015). Collection method: clinical testing. Allele origin: germline. Affected: yes. Observed: 1 variant allele.

Clinical Laboratory Sciences Program (CLSP), King Saud bin Abdulaziz University for Health Sciences (KSAU-HS)
Classification: Pathogenic for KBG syndrome. Last evaluated: 2023-04-01. Review status: no assertion criteria provided. Collection method: clinical testing. Allele origin: germline. Affected: yes. Not counted in ClinVar's aggregate classification.

Literature cited by the submitters: PubMed 33955014 (cited by Institute for Human Genetics, University Hospital Essen); PubMed 21782149 (cited by Labcorp Genetics (formerly Invitae), Labcorp); PubMed 25125236 (cited by Labcorp Genetics (formerly Invitae), Labcorp); PubMed 25413698 (cited by Labcorp Genetics (formerly Invitae), Labcorp); PubMed 25652421 (cited by Labcorp Genetics (formerly Invitae), Labcorp); PubMed 27605097 (cited by Labcorp Genetics (formerly Invitae), Labcorp); PubMed 27667800 (cited by Labcorp Genetics (formerly Invitae), Labcorp).

NM_013275.6(ANKRD11):c.1381_1384del (p.Glu461fs)

Gene: ANKRD11 (ankyrin repeat domain 11; minus strand). Cytogenetic location: 16q24.3.
Variant type: Microsatellite.
Coding change: c.1381_1384del on transcript NM_013275.6 (MANE Select); coding-DNA positions 1381 to 1384, 4 bases deleted (GAAA; older notation c.1381_1384delGAAA).
Protein change: p.Glu461fs; shifts the reading frame from glutamic acid 461.
Molecular consequence: frameshift variant.
Genome position (GRCh38, 1-based): chr16:89,285,158-89,285,161, TTTC deleted on the plus strand (GAAA on the coding strand, the reverse complement: ANKRD11 is on the minus strand); deleting any 4 consecutive bases within chr16:89,285,158-89,285,169 gives the same sequence; the c. name uses the placement nearest the transcript's 3' end. VCF-style (leftmost placement, unchanged base first): chr16-89285157-GTTTC-G. GRCh37 (hg19) VCF-style: chr16-89351565-GTTTC-G.
Other names: c.1381_1384delGAAA (NM_013275.6, NM_001256182.2); c.1381_1384del, p.Glu461fs (NM_001256182.2, NM_001256183.2); short protein forms E461fs.
Identifiers: ClinVar variation 633578 (VCV000633578.36), dbSNP rs1597464953, ClinGen allele CA645596984.
Genomic context (GRCh38, chr16:89,285,157, plus strand): 5'-TCCGACTCCGAGGAGCAGAACTTGTCGCTCCGCTTTCCGAAGCGAACCTCTCTGCCTTTT[GTTTC>G]TTTCTTTCGCTTCTTTTTCACTTTATTTTTTTCCTTCTGCTGCTTGGCATTAGAAGGCTC-3'